The following is an entry in ClinVar:

NM_000051.4(ATM):c.7509G>A (p.Met2503Ile)

Genes: C11orf65 (chromosome 11 open reading frame 65; minus strand), ATM (ATM serine/threonine kinase; plus strand). Cytogenetic location: 11q22.3.
Variant type: single nucleotide variant.
Coding change: c.7509G>A on transcript NM_000051.4 (MANE Select); coding-DNA position 7509, G replaced by A.
Protein change: p.Met2503Ile; replaces methionine 2503 with isoleucine.
Molecular consequence: missense variant. On other transcripts: intron variant (2).
Genome position (GRCh38, 1-based): chr11:108,330,415, G>A. VCF-style: chr11-108330415-G-A. GRCh37 (hg19) VCF-style: chr11-108201142-G-A.
Other names: c.7509G>A, p.Met2503Ile (NM_001351834.2); c.641-21344C>T (NM_001330368.2); c.*38+4805C>T (NM_001351110.2); short protein forms M2503I.
Identifiers: ClinVar variation 524298 (VCV000524298.17), dbSNP rs1266101531, ClinGen allele CA382560598.
Genomic context (GRCh38, chr11:108,330,415, plus strand): 5'-GGTATTCCGACTTTGTTCCCTCTGGCTTGAAAATTCTGGAGTTTCTGAAGTCAATGGCAT[G>A]ATGAAGGCAAGTGTTACTCAGCCCAATATTCTACCCTGTGCTTGAAAAACTTAGACATAA-3'
Protein context (NP_000042.3, residues 2493-2513): ENSGVSEVNG[Met2503Ile]MKRDGMKIPT

ClinVar aggregate classification (germline): Uncertain significance. Review status: criteria provided, multiple submitters, no conflicts (2 of 4 stars). 4 submissions from 4 submitters: Uncertain significance (4). Last evaluated 2026-01-26.

Conditions:
Hereditary cancer-predisposing syndrome. Also called: Hereditary Cancer Syndrome; Neoplastic Syndromes, Hereditary; Tumor predisposition; Hereditary neoplastic syndrome. Identifiers: Orphanet 140162, MedGen C0027672, MeSH D009386, MONDO:0015356.
Ataxia-telangiectasia syndrome (AT). Also called: Cerebello-oculocutaneous telangiectasia; Immunodeficiency with ataxia telangiectasia; Ataxia-telangiectasia, complementation group E; Ataxia-telangiectasia, complementation group D; AT, COMPLEMENTATION GROUP C; ATAXIA-TELANGIECTASIA, COMPLEMENTATION GROUP A. Identifiers: Orphanet 100, MedGen C0004135, MONDO:0008840, OMIM 208900.
Familial cancer of breast. Also called: BREAST CANCER, FAMILIAL; Hereditary breast cancer; hereditary breast carcinoma. Identifiers: Orphanet 227535, MedGen C0346153, MONDO:0016419, OMIM 114480. Disease mechanism: loss of function.

Allele frequency attached by ClinVar (database versions not stated): gnomAD exomes below 0.00001 and 0.00001.
gnomAD v4.1: 1 of 1,614,090 alleles (0.000062%); highest among the groups gnomAD compares: Non-Finnish European, 0.000085%; no homozygotes.

Submissions (4):

Labcorp Genetics (formerly Invitae), Labcorp
Classification: Uncertain significance for Ataxia-telangiectasia syndrome. Last evaluated: 2026-01-26. Review status: criteria provided, single submitter. Criteria: Invitae Variant Classification Sherloc (09022015). Collection method: clinical testing. Allele origin: germline.
Comment: This sequence change replaces methionine, which is neutral and non-polar, with isoleucine, which is neutral and non-polar, at codon 2503 of the ATM protein (p.Met2503Ile). The frequency data for this variant in the population databases is considered unreliable, as metrics indicate poor data quality at this position in the gnomAD database. This variant has not been reported in the literature in individuals affected with ATM-related conditions. ClinVar contains an entry for this variant (Variation ID: 524298). Invitae Evidence Modeling of protein sequence and biophysical properties (such as structural, functional, and spatial information, amino acid conservation, physicochemical variation, residue mobility, and thermodynamic stability) indicates that this missense variant is not expected to disrupt ATM protein function with a negative predictive value of 95%. In summary, the available evidence is currently insufficient to determine the role of this variant in disease. Therefore, it has been classified as a Variant of Uncertain Significance.

Ambry Genetics
Classification: Uncertain significance for Hereditary cancer-predisposing syndrome. Last evaluated: 2024-03-21. Review status: criteria provided, single submitter. Criteria: Ambry Variant Classification Scheme 2023. Collection method: clinical testing. Allele origin: germline.
Comment: The p.M2503I variant (also known as c.7509G>A), located in coding exon 49 of the ATM gene, results from a G to A substitution at nucleotide position 7509. The methionine at codon 2503 is replaced by isoleucine, an amino acid with highly similar properties. This amino acid position is well conserved in available vertebrate species. In addition, this alteration is predicted to be tolerated by in silico analysis. Since supporting evidence is limited at this time, the clinical significance of this alteration remains unclear.

Baylor Genetics
Classification: Uncertain significance for Familial cancer of breast. Last evaluated: 2023-08-24. Review status: criteria provided, single submitter. Criteria: ACMG Guidelines, 2015. Collection method: clinical testing. Allele origin: unknown.

MGZ Medical Genetics Center
Classification: Uncertain significance for Familial cancer of breast. Last evaluated: 2022-07-15. Review status: criteria provided, single submitter. Criteria: ACMG Guidelines, 2015. Collection method: clinical testing. Allele origin: germline. Affected: yes. Observed: 1 variant allele.
Comment: ACMG criteria applied: PM2_SUP, BP4